The following is an entry in ClinVar:

NM_016169.4(SUFU):c.1274C>A (p.Ala425Glu)

Gene: SUFU (SUFU negative regulator of hedgehog signaling; plus strand). Cytogenetic location: 10q24.32.
Variant type: single nucleotide variant.
Coding change: c.1274C>A on transcript NM_016169.4 (MANE Select); coding-DNA position 1274, C replaced by A.
Protein change: p.Ala425Glu; replaces alanine 425 with glutamic acid.
Molecular consequence: missense variant.
Genome position (GRCh38, 1-based): chr10:102,617,406, C>A. VCF-style: chr10-102617406-C-A. GRCh37 (hg19) VCF-style: chr10-104377163-C-A.
Other names: c.1274C>A, p.Ala425Glu (NM_001178133.2); short protein forms A425E.
Identifiers: ClinVar variation 3802886 (VCV003802886.1).

ClinVar aggregate classification (germline): Uncertain significance (1 of 4 stars; one submission).

Conditions:
Hereditary cancer-predisposing syndrome. Also called: Neoplastic Syndromes, Hereditary; Hereditary Cancer Syndrome; Tumor predisposition; Hereditary neoplastic syndrome. Identifiers: Orphanet 140162, MedGen C0027672, MeSH D009386, MONDO:0015356.

gnomAD v4.1: 1 of 1,614,246 alleles (0.000062%); highest among the groups gnomAD compares: African/African-American, 0.0013%; no homozygotes.

Submission:

Ambry Genetics
Classification: Uncertain significance for Hereditary cancer-predisposing syndrome. Last evaluated: 2024-12-16. Review status: criteria provided, single submitter. Criteria: Ambry Variant Classification Scheme 2023. Collection method: clinical testing. Allele origin: germline.
Comment: The p.A425E variant (also known as c.1274C>A), located in coding exon 10 of the SUFU gene, results from a C to A substitution at nucleotide position 1274. The alanine at codon 425 is replaced by glutamic acid, an amino acid with dissimilar properties. This amino acid position is conserved. In addition, this alteration is predicted to be deleterious by in silico analysis. Based on the available evidence, the clinical significance of this variant remains unclear.